The following is an entry in ClinVar:

ClinVar aggregate classification (germline): Pathogenic (3 of 4 stars; one submission).

Conditions:
Breast-ovarian cancer, familial, susceptibility to, 2 (BROVCA2). Also called: BRCA2 Hereditary Breast and Ovarian Cancer. Identifiers: Orphanet 145, MedGen C2675520, MONDO:0012933, OMIM 612555. Disease mechanism: loss of function.

Submission:

Evidence-based Network for the Interpretation of Germline Mutant Alleles (ENIGMA)
Classification: Pathogenic for Breast-ovarian cancer, familial, susceptibility to, 2. Last evaluated: 2017-12-15. Review status: reviewed by expert panel. Criteria: ENIGMA BRCA1/2 Classification Criteria (2017-06-29). Collection method: curation. Allele origin: germline. Study: ENIGMA.
Comment: Variant allele predicted to encode a truncated non-functional protein.

NM_000059.4(BRCA2):c.9310_9311insTTAT (p.Lys3104fs)

Gene: BRCA2 (BRCA2 DNA repair associated; plus strand). Cytogenetic location: 13q13.1.
Variant type: Insertion.
Coding change: c.9310_9311insTTAT on transcript NM_000059.4 (MANE Select); coding-DNA positions 9310 to 9311, TTAT inserted.
Protein change: p.Lys3104fs; shifts the reading frame from lysine 3104.
Molecular consequence: frameshift variant.
Genome position: GRCh38 VCF-style: chr13-32394742-A-ATTAT. GRCh37 (hg19) VCF-style: chr13-32968879-A-ATTAT.
Other names: short protein forms K3104fs.
Identifiers: ClinVar variation 548394 (VCV000548394.1), dbSNP rs1555289522, ClinGen allele CA658823570.
Genomic context (GRCh38, chr13:32,394,742, plus strand): 5'-ATTCTAGGACTTGCCCCTTTCGTCTATTTGTCAGACGAATGTTACAATTTACTGGCAATA[A>ATTAT]AGTTTTGGATAGACCTTAATGAGGACATTATTAAGCCTCATATGTTAATTGCTGCAAGCA-3'